The following is an entry in ClinVar:

NM_001370259.2(MEN1):c.805G>A (p.Asp269Asn)

Gene: MEN1 (menin 1; minus strand). Cytogenetic location: 11q13.1.
Variant type: single nucleotide variant.
Coding change: c.805G>A on transcript NM_001370259.2 (MANE Select); coding-DNA position 805, G replaced by A.
Protein change: p.Asp269Asn; replaces aspartic acid 269 with asparagine.
Molecular consequence: missense variant.
Genome position (GRCh38, 1-based): chr11:64,807,198, C>T on the plus strand (G>A on the coding strand, the complement: MEN1 is on the minus strand). VCF-style: chr11-64807198-C-T. GRCh37 (hg19) VCF-style: chr11-64574670-C-T.
Other names: c.820G>A, p.Asp274Asn (NM_000244.4, NM_130800.3, NM_130801.3 and 3 more transcripts); c.805G>A, p.Asp269Asn (NM_001370251.2, NM_001370260.2, NM_001370261.2 and 1 more transcripts); c.700G>A, p.Asp234Asn (NM_001370262.2, NM_001370263.2); short protein forms D269N, D274N, D234N.
Identifiers: ClinVar variation 241827 (VCV000241827.10), dbSNP rs878855199, ClinGen allele CA10582937.

ClinVar aggregate classification (germline): Uncertain significance (1 of 4 stars; one submission).

Conditions:
Multiple endocrine neoplasia, type 1 (MEN1). Also called: MEN I; WERMER SYNDROME; Endocrine adenomatosis multiple; MEN 1; MEA I. Identifiers: Orphanet 652, MedGen C0025267, MeSH D018761, MONDO:0007540, OMIM 131100.

Submission:

Labcorp Genetics (formerly Invitae), Labcorp
Classification: Uncertain significance for Multiple endocrine neoplasia, type 1. Last evaluated: 2025-04-07. Review status: criteria provided, single submitter. Criteria: Invitae Variant Classification Sherloc (09022015). Collection method: clinical testing. Allele origin: germline.
Comment: This sequence change replaces aspartic acid, which is acidic and polar, with asparagine, which is neutral and polar, at codon 269 of the MEN1 protein (p.Asp269Asn). This variant is not present in population databases (gnomAD no frequency). This variant has not been reported in the literature in individuals affected with MEN1-related conditions. ClinVar contains an entry for this variant (Variation ID: 241827). Invitae Evidence Modeling of protein sequence and biophysical properties (such as structural, functional, and spatial information, amino acid conservation, physicochemical variation, residue mobility, and thermodynamic stability) has been performed for this missense variant. However, the output from this modeling did not meet the statistical confidence thresholds required to predict the impact of this variant on MEN1 protein function. In summary, the available evidence is currently insufficient to determine the role of this variant in disease. Therefore, it has been classified as a Variant of Uncertain Significance.